The following is an entry in ClinVar:

NM_006258.4(PRKG1):c.648del (p.Met216fs)

Gene: PRKG1 (protein kinase cGMP-dependent 1; plus strand). Cytogenetic location: 10q21.1.
Variant type: Deletion.
Coding change: c.648del on transcript NM_006258.4 (MANE Select); coding-DNA position 648, one base deleted (G; older notation c.648delG).
Protein change: p.Met216fs; shifts the reading frame from methionine 216.
Molecular consequence: frameshift variant.
Genome position (GRCh38, 1-based): chr10:51,804,640, G deleted. VCF-style (leftmost placement, unchanged base first): chr10-51804639-TG-T. GRCh37 (hg19) VCF-style: chr10-53564399-TG-T.
Other names: c.603del, p.Met201fs (NM_001098512.3); c.648del, p.Met216fs (NM_001374782.1); short protein forms M201fs, M216fs.
Identifiers: ClinVar variation 3722569 (VCV003722569.2).
Genomic context (GRCh38, chr10:51,804,639, plus strand): 5'-CTCCAGCTCTTGTAAATGTAAAACTCTGGGCCATTGATCGACAATGTTTTCAAACAATAA[TG>T]ATGAGGACAGGACTCATCAAGCATACCGAGTATATGGAATTTTTAAAAAGGTAGGATGCT-3'

ClinVar aggregate classification (germline): Uncertain significance (1 of 4 stars; one submission).

Conditions:
Aortic aneurysm, familial thoracic 8 (AAT8). Identifiers: MedGen C3809513, MONDO:0014187, OMIM 615436.

Submission:

Labcorp Genetics (formerly Invitae), Labcorp
Classification: Uncertain significance for Aortic aneurysm, familial thoracic 8. Last evaluated: 2024-10-09. Review status: criteria provided, single submitter. Criteria: Invitae Variant Classification Sherloc (09022015). Collection method: clinical testing. Allele origin: germline.
Comment: This sequence change creates a premature translational stop signal (p.Met216Ilefs*2) in the PRKG1 gene. It is expected to result in an absent or disrupted protein product. However, the current clinical and genetic evidence is not sufficient to establish whether loss-of-function variants in PRKG1 cause disease. This variant is not present in population databases (gnomAD no frequency). This variant has not been reported in the literature in individuals affected with PRKG1-related conditions. In summary, the available evidence is currently insufficient to determine the role of this variant in disease. Therefore, it has been classified as a Variant of Uncertain Significance.